The following is an entry in ClinVar:

ClinVar aggregate classification (germline): Pathogenic (1 of 4 stars; one submission).

Conditions:
Bloom syndrome (BLM). Also called: Bloom-Torre-Machacek syndrome. Identifiers: Orphanet 125, MedGen C0005859, MONDO:0008876, OMIM 210900.

Submission:

Labcorp Genetics (formerly Invitae), Labcorp
Classification: Pathogenic for Bloom syndrome. Last evaluated: 2024-10-13. Review status: criteria provided, single submitter. Criteria: Invitae Variant Classification Sherloc (09022015). Collection method: clinical testing. Allele origin: germline.
Comment: This sequence change creates a premature translational stop signal (p.Ser17*) in the BLM gene. It is expected to result in an absent or disrupted protein product. Loss-of-function variants in BLM are known to be pathogenic (PMID: 17407155). This variant is not present in population databases (gnomAD no frequency). This variant has not been reported in the literature in individuals affected with BLM-related conditions. Algorithms developed to predict the effect of sequence changes on RNA splicing suggest that this variant may disrupt the consensus splice site. For these reasons, this variant has been classified as Pathogenic.

Literature cited by the submitters: PubMed 17407155.

NM_000057.4(BLM):c.50C>G (p.Ser17Ter)

Gene: BLM (BLM RecQ like helicase; plus strand). Cytogenetic location: 15q26.1.
Variant type: single nucleotide variant.
Coding change: c.50C>G on transcript NM_000057.4 (MANE Select); coding-DNA position 50, C replaced by G.
Protein change: p.Ser17Ter; replaces serine 17 with a stop codon.
Molecular consequence: nonsense. On other transcripts: 5 prime UTR variant (1).
Genome position (GRCh38, 1-based): chr15:90,747,442, C>G. VCF-style: chr15-90747442-C-G. GRCh37 (hg19) VCF-style: chr15-91290672-C-G.
Other names: c.50C>G, p.Ser17Ter (NM_001287246.2, NM_001287247.2); c.-1242C>G (NM_001287248.2); short protein forms S17*.
Identifiers: ClinVar variation 3621710 (VCV003621710.2).
Genomic context (GRCh38, chr15:90,747,442, plus strand): 5'-TTTTTAGGATTATGGCTGCTGTTCCTCAAAATAATCTACAGGAGCAACTAGAACGTCACT[C>G]AGCCAGAACACTTAATAATAAATTAAGTCTTTCAAAACCAAAATTTTCGTAAGTGTTTTG-3'